The following is an entry in ClinVar:

ClinVar aggregate classification (germline): Likely pathogenic (0 of 4 stars; one submission).

Conditions:
Pyruvate dehydrogenase E1-alpha deficiency (PDHAD). Also called: ATAXIA, INTERMITTENT, WITH PYRUVATE DEHYDROGENASE DEFICIENCY; ATAXIA WITH LACTIC ACIDOSIS I; ATAXIA, INTERMITTENT, WITH ABNORMAL PYRUVATE METABOLISM; Ataxia, intermittent, with pyruvate dehydrogenase, or decarboxylase, deficiency. Identifiers: Orphanet 79243, MedGen C1839413, MONDO:0010717, OMIM 312170.

Submission:

PDHA1 Study Group, University Children’s Hospital, Paracelsus Medical University
Classification: Likely pathogenic for Pyruvate dehydrogenase E1-alpha deficiency. Last evaluated: 2024-10-15. Review status: no assertion criteria provided. Collection method: research. Allele origin: germline. Affected: yes. Observed: 1 variant allele.
Comment: The NM_000284.3:c.1083_1124del (p.Leu361_Pro374del) change is a deletion-insertion (delins) variant in PDHA1 gene. Last literature search: July 12, 2024. This variant is absent or extremely rare in population-based cohorts in the Genome Aggregation Database (gnomAD). Individuals harboring this variant presented with clinical features compatible with PDHA1-related PDHc deficiency. In summary, this variant meets criteria to be classified as likely pathogenic (LP) for PDHA1-related PDHc deficiency based on the ACMG/AMP criteria applied: PM1, PM2, PM4 (last assessment October 15, 2024).

Literature cited by the submitters: DOI 10.1093/brain/awaf430.

NM_000284.4(PDHA1):c.1083_1124del (p.Leu361_Pro374del)

Gene: PDHA1 (pyruvate dehydrogenase E1 subunit alpha 1; plus strand). Cytogenetic location: Xp22.12.
Variant type: Deletion.
Coding change: c.1083_1124del on transcript NM_000284.4 (MANE Select); coding-DNA positions 1083 to 1124, 42 bases deleted.
Protein change: p.Leu361_Pro374del.
Molecular consequence: inframe deletion.
Genome position (GRCh38, 1-based): chrX:19,359,563-19,359,604, 42 bases deleted; deleting any 42 consecutive bases within chrX:19,359,555-19,359,604 gives the same sequence; the c. name uses the placement nearest the transcript's 3' end. GRCh37 (hg19): chrX:19,377,681-19,377,722.
Other names: c.1197_1238del, p.Leu399_Pro412del (NM_001173454.2); c.1104_1145del, p.Leu368_Pro381del (NM_001173455.2); c.990_1031del, p.Leu330_Pro343del (NM_001173456.2).
Identifiers: ClinVar variation 4070447 (VCV004070447.1).